The following is an entry in ClinVar:

ClinVar aggregate classification (germline): Uncertain significance (1 of 4 stars; one submission).

Conditions:
Long QT syndrome (LQTS). Identifiers: MedGen C0023976, MeSH D008133, MONDO:0002442. Disease mechanism: loss of function. Inheritance: Various modes of inheritance.

Submission:

Labcorp Genetics (formerly Invitae), Labcorp
Classification: Uncertain significance for Long QT syndrome. Last evaluated: 2025-06-23. Review status: criteria provided, single submitter. Criteria: Invitae Variant Classification Sherloc (09022015). Collection method: clinical testing. Allele origin: germline.
Comment: This sequence change replaces glycine, which is neutral and non-polar, with arginine, which is basic and polar, at codon 3821 of the ANK2 protein (p.Gly3821Arg). This variant is not present in population databases (gnomAD no frequency). This variant has not been reported in the literature in individuals affected with ANK2-related conditions. Invitae Evidence Modeling of protein sequence and biophysical properties (such as structural, functional, and spatial information, amino acid conservation, physicochemical variation, residue mobility, and thermodynamic stability) indicates that this missense variant is not expected to disrupt ANK2 protein function with a negative predictive value of 80%. In summary, the available evidence is currently insufficient to determine the role of this variant in disease. Therefore, it has been classified as a Variant of Uncertain Significance.

NM_001148.6(ANK2):c.11461G>A (p.Gly3821Arg)

Gene: ANK2 (ankyrin 2; plus strand). Cytogenetic location: 4q26.
Variant type: single nucleotide variant.
Coding change: c.11461G>A on transcript NM_001148.6 (MANE Select); coding-DNA position 11461, G replaced by A.
Protein change: p.Gly3821Arg; replaces glycine 3821 with arginine.
Molecular consequence: missense variant.
Genome position (GRCh38, 1-based): chr4:113,369,656, G>A. VCF-style: chr4-113369656-G-A. GRCh37 (hg19) VCF-style: chr4-114290812-G-A.
Other names: c.5242G>A, p.Gly1748Arg (NM_001354232.2); c.5203G>A, p.Gly1735Arg (NM_001354235.2, NM_001354246.2, NM_001354265.2); c.5104G>A, p.Gly1702Arg (NM_001354236.2); c.5284G>A, p.Gly1762Arg (NM_001354237.2); c.5176G>A, p.Gly1726Arg (NM_001354239.2, NM_001354252.2); c.5251G>A, p.Gly1751Arg (NM_001354240.2, NM_001354241.2, NM_001386144.1); c.5248G>A, p.Gly1750Arg (NM_001354242.2, NM_001354231.2); c.5143G>A, p.Gly1715Arg (NM_001354243.2, NM_001354255.2, NM_001386143.1); and 35 more; short protein forms G1575R, G1661R, G1665R, G1670R, G1674R, G1678R, G1682R, G1693R.
Identifiers: ClinVar variation 4777461 (VCV004777461.1).
Genomic context (GRCh38, chr4:113,369,656, plus strand): 5'-GTTAGCACCCCTGCAGAGGAGGAGAAGCTGTACCTCCAGACCCCAACATCCAGCGAGCGG[G>A]GAGGCTCTCCCATCATACAAGAACCCGAAGAGCCCTCAGAGCACAGAGAGGAGAGCTCTC-3'
Protein context (NP_001139.3, residues 3811-3831): YLQTPTSSER[Gly3821Arg]GSPIIQEPEE